The following is an entry in ClinVar:

NM_003119.4(SPG7):c.1038_1039insAAGCTTGGCGCCAAGGTCCCAAAGGGCGCACTG (p.Leu346_Leu347insLysLeuGlyAlaLysValProLysGlyAlaLeu)

Gene: SPG7 (SPG7 matrix AAA peptidase subunit, paraplegin; plus strand). Cytogenetic location: 16q24.3.
Variant type: Insertion.
Coding change: c.1038_1039insAAGCTTGGCGCCAAGGTCCCAAAGGGCGCACTG on transcript NM_003119.4 (MANE Select); coding-DNA positions 1038 to 1039, AAGCTTGGCGCCAAGGTCCCAAAGGGCGCACTG inserted.
Protein change: p.Leu346_Leu347insLysLeuGlyAlaLysValProLysGlyAlaLeu.
Genome position: GRCh38: chr16:89,531,954-89,531,955. GRCh37 (hg19): chr16:89,598,362-89,598,363.
Other names: c.1038_1039insAAGCTTGGCGCCAAGGTCCCAAAGGGCGCACTG, p.Leu346_Leu347insLysLeuGlyAlaLysValProLysGlyAlaLeu (NM_001363850.1, NM_199367.3).
Identifiers: ClinVar variation 3709729 (VCV003709729.2).

ClinVar aggregate classification (germline): Uncertain significance (1 of 4 stars; one submission).

Conditions:
Hereditary spastic paraplegia 7 (SPG7). Also called: SPASTIC PARAPLEGIA 7, AUTOSOMAL RECESSIVE, WITH OR WITHOUT CEREBELLAR ATAXIA; SPG7-related neurologic disorder; Spastic paraplegia 7; Hereditary spastic paraplegia Paraplegin type; Autosomal recessive spastic paraplegia type 7. Identifiers: Orphanet 99013, MedGen C1846564, MONDO:0011803, OMIM 607259.

Submission:

Labcorp Genetics (formerly Invitae), Labcorp
Classification: Uncertain significance for Hereditary spastic paraplegia 7. Last evaluated: 2024-09-06. Review status: criteria provided, single submitter. Criteria: Invitae Variant Classification Sherloc (09022015). Collection method: clinical testing. Allele origin: germline.
Comment: This variant, c.1038_1039ins33, results in the insertion of 11 amino acid(s) of the SPG7 protein (p.Leu346_Leu347ins11), but otherwise preserves the integrity of the reading frame. This variant is present in population databases (rs772663936, gnomAD 0.0009%). This variant has not been reported in the literature in individuals affected with SPG7-related conditions. Experimental studies and prediction algorithms are not available or were not evaluated, and the functional significance of this variant is currently unknown. In summary, the available evidence is currently insufficient to determine the role of this variant in disease. Therefore, it has been classified as a Variant of Uncertain Significance.